The following is an entry in ClinVar:

ClinVar aggregate classification (germline): Uncertain significance. Review status: criteria provided, multiple submitters, no conflicts (2 of 4 stars). 3 submissions from 3 submitters: Uncertain significance (3). Last evaluated 2024-04-15.

Conditions:
Familial adenomatous polyposis 1 (FAP1). Also called: FAMILIAL ADENOMATOUS POLYPOSIS 1, ATTENUATED; POLYPOSIS, ADENOMATOUS INTESTINAL. Identifiers: MedGen C2713442, MONDO:0021056, OMIM 175100. Disease mechanism: loss of function.
Hereditary cancer-predisposing syndrome. Also called: Tumor predisposition; Hereditary neoplastic syndrome; Neoplastic Syndromes, Hereditary; Hereditary Cancer Syndrome. Identifiers: Orphanet 140162, MedGen C0027672, MeSH D009386, MONDO:0015356.

gnomAD v4.1: 1 of 1,614,162 alleles (0.000062%); highest among the groups gnomAD compares: Non-Finnish European, 0.000085%; no homozygotes.

Submissions (3):

Color Diagnostics, LLC DBA Color Health
Classification: Uncertain significance for Hereditary cancer-predisposing syndrome. Last evaluated: 2024-04-15. Review status: criteria provided, single submitter. Criteria: ACMG Guidelines, 2015. Collection method: clinical testing. Allele origin: germline.
Comment: This missense variant replaces arginine with lysine at codon 923 of the APC protein. Computational prediction is inconclusive regarding the impact of this variant on protein structure and function (internally defined REVEL score threshold 0.5 < inconclusive < 0.7, PMID: 27666373). To our knowledge, functional studies have not been reported for this variant. This variant has not been reported in individuals affected with APC-related disorders in the literature. This variant has not been identified in the general population by the Genome Aggregation Database (gnomAD). The available evidence is insufficient to determine the role of this variant in disease conclusively. Therefore, this variant is classified as a Variant of Uncertain Significance.

Labcorp Genetics (formerly Invitae), Labcorp
Classification: Uncertain significance for Familial adenomatous polyposis 1. Last evaluated: 2023-11-21. Review status: criteria provided, single submitter. Criteria: Invitae Variant Classification Sherloc (09022015). Collection method: clinical testing. Allele origin: germline.
Comment: This sequence change replaces arginine, which is basic and polar, with lysine, which is basic and polar, at codon 923 of the APC protein (p.Arg923Lys). This variant is not present in population databases (gnomAD no frequency). This variant has not been reported in the literature in individuals affected with APC-related conditions. ClinVar contains an entry for this variant (Variation ID: 1010203). Advanced modeling of protein sequence and biophysical properties (such as structural, functional, and spatial information, amino acid conservation, physicochemical variation, residue mobility, and thermodynamic stability) performed at Invitae indicates that this missense variant is not expected to disrupt APC protein function with a negative predictive value of 95%. In summary, the available evidence is currently insufficient to determine the role of this variant in disease. Therefore, it has been classified as a Variant of Uncertain Significance.

Baylor Genetics
Classification: Uncertain significance for Familial adenomatous polyposis 1. Last evaluated: 2023-08-31. Review status: criteria provided, single submitter. Criteria: ACMG Guidelines, 2015. Collection method: clinical testing. Allele origin: unknown.

NM_000038.6(APC):c.2768G>A (p.Arg923Lys)

Gene: APC (APC regulator of Wnt signaling pathway; plus strand). Cytogenetic location: 5q22.2.
Variant type: single nucleotide variant.
Coding change: c.2768G>A on transcript NM_000038.6 (MANE Select); coding-DNA position 2768, G replaced by A.
Protein change: p.Arg923Lys; replaces arginine 923 with lysine.
Molecular consequence: missense variant.
Genome position (GRCh38, 1-based): chr5:112,838,362, G>A. VCF-style: chr5-112838362-G-A. GRCh37 (hg19) VCF-style: chr5-112174059-G-A.
Other names: c.2768G>A, p.Arg923Lys (NM_001127510.3, NM_001354895.2); c.2714G>A, p.Arg905Lys (NM_001127511.3); c.2822G>A, p.Arg941Lys (NM_001354896.2); c.2798G>A, p.Arg933Lys (NM_001354897.2); c.2693G>A, p.Arg898Lys (NM_001354898.2); c.2684G>A, p.Arg895Lys (NM_001354899.2); c.2645G>A, p.Arg882Lys (NM_001354900.2); c.2591G>A, p.Arg864Lys (NM_001354901.2); and 5 more; short protein forms R640K, R763K, R797K, R822K, R832K, R864K, R882K, R895K.
Identifiers: ClinVar variation 1010203 (VCV001010203.12), dbSNP rs1057519194, ClinGen allele CA16027368.